The following is an entry in ClinVar:

ClinVar aggregate classification (germline): Likely benign (1 of 4 stars; one submission).

Conditions:
PKD1L1-related disorder. Also called: PKD1L1-related condition.

gnomAD v4.1: 1 of 1,608,698 alleles (0.000062%); highest among the groups gnomAD compares: Non-Finnish European, 0.000085%; no homozygotes.

Submission:

PreventionGenetics, part of Exact Sciences
Classification: Likely benign for PKD1L1-related condition. Last evaluated: 2025-11-26. Review status: criteria provided, single submitter. Criteria: ACMG Guidelines, 2015. Collection method: clinical testing. Allele origin: germline.
Comment: This variant is classified as likely benign based on ACMG/AMP sequence variant interpretation guidelines (Richards et al. 2015 PMID: 25741868, with internal and published modifications).

NM_138295.5(PKD1L1):c.2065-9G>A

Gene: PKD1L1 (polycystin 1 like 1, transient receptor potential channel interacting; minus strand). Cytogenetic location: 7p12.3.
Variant type: single nucleotide variant.
Coding change: c.2065-9G>A on transcript NM_138295.5 (MANE Select); 9 bases into the intron before coding-DNA position 2065, G replaced by A.
Molecular consequence: intron variant.
Genome position (GRCh38, 1-based): chr7:47,898,203, C>T on the plus strand (G>A on the coding strand, the complement: PKD1L1 is on the minus strand). VCF-style: chr7-47898203-C-T. GRCh37 (hg19) VCF-style: chr7-47937800-C-T.
Identifiers: ClinVar variation 4990916 (VCV004990916.1).
Genomic context (GRCh38, chr7:47,898,203, plus strand): 5'-AGACTGCAGCTTCAAACGTCACTCCCAGCCTCACAGGCTGAGACCTCCATATCTAAGTAT[C>T]AAGAAGAGAAGATGTCTCATTAAAATGTCCATCACATCTAATGTACTGGTAAATTACTAG-3'